The following is an entry in ClinVar:

ClinVar aggregate classification (germline): Uncertain significance (1 of 4 stars; one submission).

Conditions:
Hereditary cancer-predisposing syndrome. Also called: Neoplastic Syndromes, Hereditary; Tumor predisposition; Hereditary neoplastic syndrome; Hereditary Cancer Syndrome. Identifiers: Orphanet 140162, MedGen C0027672, MeSH D009386, MONDO:0015356.

gnomAD v4.1: 1 of 1,612,300 alleles (0.000062%); highest among the groups gnomAD compares: Non-Finnish European, 0.000085%; no homozygotes.

Submission:

Ambry Genetics
Classification: Uncertain significance for Hereditary cancer-predisposing syndrome. Last evaluated: 2025-11-01. Review status: criteria provided, single submitter. Criteria: Ambry Variant Classification Scheme 2023. Collection method: clinical testing. Allele origin: germline.
Comment: The p.F214C variant (also known as c.641T>G), located in coding exon 6 of the MRE11A gene, results from a T to G substitution at nucleotide position 641. The phenylalanine at codon 214 is replaced by cysteine, an amino acid with highly dissimilar properties. This amino acid position is well conserved in available vertebrate species. In addition, this alteration is predicted to be deleterious by in silico analysis. Since supporting evidence is limited at this time, the clinical significance of this alteration remains unclear.

NM_005591.4(MRE11):c.641T>G (p.Phe214Cys)

Gene: MRE11 (MRE11 double strand break repair nuclease; minus strand). Cytogenetic location: 11q21.
Variant type: single nucleotide variant.
Coding change: c.641T>G on transcript NM_005591.4 (MANE Select); coding-DNA position 641, T replaced by G.
Protein change: p.Phe214Cys; replaces phenylalanine 214 with cysteine.
Molecular consequence: missense variant.
Genome position (GRCh38, 1-based): chr11:94,476,307, A>C on the plus strand (T>G on the coding strand, the complement: MRE11 is on the minus strand). VCF-style: chr11-94476307-A-C. GRCh37 (hg19) VCF-style: chr11-94209473-A-C.
Other names: c.641T>G, p.Phe214Cys (NM_001330347.2, NM_005590.4); short protein forms F214C.
Identifiers: ClinVar variation 826393 (VCV000826393.5), dbSNP rs768073516, ClinGen allele CA382376579.